The following is an entry in ClinVar:

ClinVar aggregate classification (germline): Benign/Likely benign. Review status: criteria provided, multiple submitters, no conflicts (2 of 4 stars). 3 submissions from 3 submitters: Benign (1); Likely benign (2). Last evaluated 2025-12-19.

Allele frequency attached by ClinVar (database versions not stated): gnomAD below 0.00001 and 0.00006; TOPMed 0.00003; gnomAD exomes 0.00011 and 0.00025; ExAC 0.00031; 1000 Genomes Project 30x 0.00078; 1000 Genomes Project 0.00240.
gnomAD v4.1: 165 of 1,593,870 alleles (0.01%); highest among the groups gnomAD compares: South Asian, 0.17%; 3 homozygotes.

Submissions (3):

Labcorp Genetics (formerly Invitae), Labcorp
Classification: Benign. Last evaluated: 2025-12-19. Review status: criteria provided, single submitter. Criteria: Invitae Variant Classification Sherloc (09022015). Collection method: clinical testing. Allele origin: germline.

Blueprint Genetics
Classification: Likely benign. Last evaluated: 2024-09-30. Review status: criteria provided, single submitter. Criteria: ACMG Guidelines, 2015. Collection method: clinical testing. Allele origin: germline.

GeneDx
Classification: Likely benign. Last evaluated: 2016-11-01. Review status: criteria provided, single submitter. Criteria: GeneDx Variant Classification (06012015). Collection method: clinical testing. Allele origin: germline. Affected: yes.
Comment: This variant is considered likely benign or benign based on one or more of the following criteria: it is a conservative change, it occurs at a poorly conserved position in the protein, it is predicted to be benign by multiple in silico algorithms, and/or has population frequency not consistent with disease.

NM_001854.4(COL11A1):c.652-17T>G

Gene: COL11A1 (collagen type XI alpha 1 chain; minus strand). Cytogenetic location: 1p21.1.
Variant type: single nucleotide variant.
Coding change: c.652-17T>G on transcript NM_001854.4 (MANE Select); 17 bases into the intron before coding-DNA position 652, T replaced by G.
Molecular consequence: intron variant.
Genome position (GRCh38, 1-based): chr1:103,031,261, A>C on the plus strand (T>G on the coding strand, the complement: COL11A1 is on the minus strand). VCF-style: chr1-103031261-A-C. GRCh37 (hg19) VCF-style: chr1-103496817-A-C.
Other names: c.652-17T>G (NM_001190709.2, NM_080629.3, NM_080630.4).
Identifiers: ClinVar variation 390716 (VCV000390716.10), dbSNP rs555770298, ClinGen allele CA975370.